The following is an entry in ClinVar:

ClinVar aggregate classification (germline): Uncertain significance (1 of 4 stars; one submission).

Allele frequency attached by ClinVar (database versions not stated): gnomAD 0.00003; TOPMed 0.00005; ESP Exome Variant Server 0.00008.
gnomAD v4.1: 30 of 1,552,866 alleles (0.0019%); highest among the groups gnomAD compares: African/African-American, 0.0068%; 1 homozygote.

Submission:

Labcorp Genetics (formerly Invitae), Labcorp
Classification: Uncertain significance. Last evaluated: 2022-07-11. Review status: criteria provided, single submitter. Criteria: Invitae Variant Classification Sherloc (09022015). Collection method: clinical testing. Allele origin: germline.
Comment: This sequence change replaces arginine, which is basic and polar, with cysteine, which is neutral and slightly polar, at codon 331 of the PEPD protein (p.Arg331Cys). This variant is present in population databases (rs376817734, gnomAD 0.006%). This variant has not been reported in the literature in individuals affected with PEPD-related conditions. Algorithms developed to predict the effect of missense changes on protein structure and function are either unavailable or do not agree on the potential impact of this missense change (SIFT: "Deleterious"; PolyPhen-2: "Benign"; Align-GVGD: "Class C15"). In summary, the available evidence is currently insufficient to determine the role of this variant in disease. Therefore, it has been classified as a Variant of Uncertain Significance.

NM_000285.4(PEPD):c.991C>T (p.Arg331Cys)

Gene: PEPD (peptidase D; minus strand). Cytogenetic location: 19q13.11.
Variant type: single nucleotide variant.
Coding change: c.991C>T on transcript NM_000285.4 (MANE Select); coding-DNA position 991, C replaced by T.
Protein change: p.Arg331Cys; replaces arginine 331 with cysteine.
Molecular consequence: missense variant.
Genome position (GRCh38, 1-based): chr19:33,391,456, G>A on the plus strand (C>T on the coding strand, the complement: PEPD is on the minus strand). VCF-style: chr19-33391456-G-A. GRCh37 (hg19) VCF-style: chr19-33882362-G-A.
Other names: c.868C>T, p.Arg290Cys (NM_001166056.2); c.799C>T, p.Arg267Cys (NM_001166057.2); short protein forms R290C, R267C, R331C.
Identifiers: ClinVar variation 2140709 (VCV002140709.1), dbSNP rs376817734, ClinGen allele CA307573595.
Genomic context (GRCh38, chr19:33,391,456, plus strand): 5'-CGCTGCCGCTCAGGATGCCCATGTGGGCCAGCTCCTCCAGGTGGATGCGGTCAGCCAGGC[G>A]GTGCATGTCAGGCCACCAGACACCTGTGGGCCAGAGGGAGCTGCCGTGAGCCACAGAGCC-3'
Protein context (NP_000276.2, residues 321-341): KPGVWWPDMH[Arg331Cys]LADRIHLEEL